The following is an entry in ClinVar:

NM_018896.5(CACNA1G):c.1479C>T (p.His493=)

Gene: CACNA1G (calcium voltage-gated channel subunit alpha1 G; plus strand). Cytogenetic location: 17q21.33.
Variant type: single nucleotide variant.
Coding change: c.1479C>T on transcript NM_018896.5 (MANE Select); coding-DNA position 1479, C replaced by T.
Protein change: p.His493=; no amino-acid change (histidine 493 retained).
Molecular consequence: synonymous variant. On other transcripts: non-coding transcript variant (5).
Genome position (GRCh38, 1-based): chr17:50,575,881, C>T. VCF-style: chr17-50575881-C-T. GRCh37 (hg19) VCF-style: chr17-48653242-C-T.
Other names: p.His493=; c.1479C>T, p.His493= (NM_001256324.2, NM_001256325.2, NM_001256326.2 and 24 more transcripts).
Identifiers: ClinVar variation 1276130 (VCV001276130.11), dbSNP rs9897406, ClinGen allele CA8652184.

ClinVar aggregate classification (germline): Benign/Likely benign. Review status: criteria provided, multiple submitters, no conflicts (2 of 4 stars). 6 submissions from 6 submitters: Benign (3); Likely benign (2). 1 of the submissions does not count toward it. Last evaluated 2026-01-16.

Conditions:
Spinocerebellar ataxia type 42. Identifiers: Orphanet 458803, MedGen C4225205, MONDO:0014776, OMIM 616795.
Spinocerebellar ataxia 42, early-onset, severe, with neurodevelopmental deficits. Identifiers: MedGen C4748120, MONDO:0060758, OMIM 618087.
CACNA1G-related disorder. Also called: CACNA1G-related disorders; CACNA1G-related condition.

Allele frequency attached by ClinVar (database versions not stated): gnomAD exomes 0.00188 and 0.00455; ExAC 0.01082; ESP Exome Variant Server 0.01739; gnomAD 0.01964 and 0.02109; TOPMed 0.02158; 1000 Genomes Project 0.02356; 1000 Genomes Project 30x 0.02389.
gnomAD v4.1: 5,779 of 1,555,546 alleles (0.37%); highest among the groups gnomAD compares: African/African-American, 6.6%; 182 homozygotes.

Submissions (6):

Labcorp Genetics (formerly Invitae), Labcorp
Classification: Likely benign. Last evaluated: 2026-01-16. Review status: criteria provided, single submitter. Criteria: Invitae Variant Classification Sherloc (09022015). Collection method: clinical testing. Allele origin: germline.

Fulgent Genetics
Classification: Likely benign for Spinocerebellar ataxia type 42; Spinocerebellar ataxia 42, early-onset, severe, with neurodevelopmental deficits. Last evaluated: 2022-05-17. Review status: criteria provided, single submitter. Criteria: ACMG Guidelines, 2015. Collection method: clinical testing. Allele origin: unknown.

Mayo Clinic Laboratories, Mayo Clinic
Classification: Benign. Last evaluated: 2022-03-23. Review status: criteria provided, single submitter. Criteria: ACMG Guidelines, 2015. Collection method: clinical testing. Allele origin: germline. Observed: 8 variant alleles.

GeneDx
Classification: Benign. Last evaluated: 2021-03-18. Review status: criteria provided, single submitter. Criteria: GeneDx Variant Classification Process June 2021. Collection method: clinical testing. Allele origin: germline. Affected: yes.

Breakthrough Genomics
Classification: Benign. Review status: criteria provided, single submitter. Criteria: ACMG Guidelines, 2015. Collection method: not provided. Allele origin: germline. Inheritance: Autosomal dominant inheritance. Affected: yes.

PreventionGenetics, part of Exact Sciences
Classification: Benign for CACNA1G-related condition. Last evaluated: 2024-09-04. Review status: no assertion criteria provided. Collection method: clinical testing. Allele origin: germline. Not counted in ClinVar's aggregate classification.
Comment: This variant is classified as benign based on ACMG/AMP sequence variant interpretation guidelines (Richards et al. 2015 PMID: 25741868, with internal and published modifications).